The following is an entry in ClinVar:

ClinVar aggregate classification (germline): Uncertain significance. Review status: criteria provided, multiple submitters, no conflicts (2 of 4 stars). 2 submissions from 2 submitters: Uncertain significance (2). Last evaluated 2022-05-21.

Conditions:
Glycogen storage disease due to muscle and heart glycogen synthase deficiency. Also called: GSD 0b; MUSCLE GLYCOGEN SYNTHASE DEFICIENCY. Identifiers: Orphanet 137625, MedGen C1969054, MONDO:0012693, OMIM 611556.

Allele frequency attached by ClinVar (database versions not stated): TOPMed below 0.00001; gnomAD exomes 0.00001; ExAC 0.00004.
gnomAD v4.1: 16 of 1,600,920 alleles (0.001%); highest among the groups gnomAD compares: East Asian, 0.0067%; no homozygotes.

Submissions (2):

Labcorp Genetics (formerly Invitae), Labcorp
Classification: Uncertain significance for Glycogen storage disease due to muscle and heart glycogen synthase deficiency. Last evaluated: 2022-05-21. Review status: criteria provided, single submitter. Criteria: Invitae Variant Classification Sherloc (09022015). Collection method: clinical testing. Allele origin: germline.
Comment: The frequency data for this variant in the population databases is considered unreliable, as metrics indicate poor data quality at this position in the gnomAD database. This sequence change replaces glycine, which is neutral and non-polar, with arginine, which is basic and polar, at codon 104 of the GYS1 protein (p.Gly104Arg). In summary, the available evidence is currently insufficient to determine the role of this variant in disease. Therefore, it has been classified as a Variant of Uncertain Significance. Algorithms developed to predict the effect of sequence changes on RNA splicing suggest that this variant may create or strengthen a splice site. Algorithms developed to predict the effect of missense changes on protein structure and function are either unavailable or do not agree on the potential impact of this missense change (SIFT: "Deleterious"; PolyPhen-2: "Probably Damaging"; Align-GVGD: "Class C15"). ClinVar contains an entry for this variant (Variation ID: 450024). This variant has not been reported in the literature in individuals affected with GYS1-related conditions.

GeneDx
Classification: Uncertain significance. Last evaluated: 2017-06-27. Review status: criteria provided, single submitter. Criteria: GeneDx Variant Classification (06012015). Collection method: clinical testing. Allele origin: germline. Affected: yes.
Comment: The G104R variant in the GYS1 gene has not been reported previously as a pathogenic variant, nor as a benign variant, to our knowledge. The G104R variant is not observed at a significant frequency in large population cohorts (Lek et al., 2016; 1000 Genomes Consortium et al., 2015; Exome Variant Server). The G104R variant is a non-conservative amino acid substitution, which is likely to impact secondary protein structure as these residues differ in polarity, charge, size and/or other properties. This substitution occurs at a position that is conserved across species. In silico analysis predicts this variant is probably damaging to the protein structure/function. We interpret G104R as a variant of uncertain significance.

NM_002103.5(GYS1):c.310G>A (p.Gly104Arg)

Gene: GYS1 (glycogen synthase 1; minus strand). Cytogenetic location: 19q13.33.
Variant type: single nucleotide variant.
Coding change: c.310G>A on transcript NM_002103.5 (MANE Select); coding-DNA position 310, G replaced by A.
Protein change: p.Gly104Arg; replaces glycine 104 with arginine.
Molecular consequence: missense variant. On other transcripts: non-coding transcript variant (1), intron variant (1).
Genome position (GRCh38, 1-based): chr19:48,987,376, C>T on the plus strand (G>A on the coding strand, the complement: GYS1 is on the minus strand). VCF-style: chr19-48987376-C-T. GRCh37 (hg19) VCF-style: chr19-49490633-C-T.
Other names: c.301-1341G>A (NM_001161587.2); short protein forms G104R.
Identifiers: ClinVar variation 450024 (VCV000450024.6), dbSNP rs763807232, ClinGen allele CA9563376.